The following is an entry in ClinVar:

NM_003001.5(SDHC):c.250C>T (p.Leu84Phe)

Gene: SDHC (succinate dehydrogenase complex subunit C; plus strand). Cytogenetic location: 1q23.3.
Variant type: single nucleotide variant.
Coding change: c.250C>T on transcript NM_003001.5 (MANE Select); coding-DNA position 250, C replaced by T.
Protein change: p.Leu84Phe; replaces leucine 84 with phenylalanine.
Molecular consequence: missense variant. On other transcripts: non-coding transcript variant (1), intron variant (3).
Genome position (GRCh38, 1-based): chr1:161,356,685, C>T. VCF-style: chr1-161356685-C-T. GRCh37 (hg19) VCF-style: chr1-161326475-C-T.
Other names: c.148C>T, p.Leu50Phe (NM_001035512.3); c.91C>T, p.Leu31Phe (NM_001035513.3); c.370C>T, p.Leu124Phe (NM_001407115.1); c.193C>T, p.Leu65Phe (NM_001407116.1); c.187C>T, p.Leu63Phe (NM_001407117.1); c.142C>T, p.Leu48Phe (NM_001407118.1); c.139C>T, p.Leu47Phe (NM_001407119.1, NM_001407120.1); c.242-5644C>T (NM_001035511.3); and 2 more; short protein forms L50F, L84F, L124F, L31F, L47F, L48F, L63F, L65F.
Identifiers: ClinVar variation 1792367 (VCV001792367.2), dbSNP rs942160050, ClinGen allele CA31433315.

ClinVar aggregate classification (germline): Uncertain significance (1 of 4 stars; one submission).

Conditions:
Hereditary cancer-predisposing syndrome. Also called: Hereditary Cancer Syndrome; Hereditary neoplastic syndrome; Tumor predisposition; Neoplastic Syndromes, Hereditary. Identifiers: Orphanet 140162, MedGen C0027672, MeSH D009386, MONDO:0015356.

Submission:

Ambry Genetics
Classification: Uncertain significance for Hereditary cancer-predisposing syndrome. Last evaluated: 2022-04-26. Review status: criteria provided, single submitter. Criteria: Ambry Variant Classification Scheme 2023. Collection method: clinical testing. Allele origin: germline.
Comment: The p.L84F variant (also known as c.250C>T), located in coding exon 5 of the SDHC gene, results from a C to T substitution at nucleotide position 250. The leucine at codon 84 is replaced by phenylalanine, an amino acid with highly similar properties. This amino acid position is conserved. In addition, the in silico prediction for this alteration is inconclusive. Since supporting evidence is limited at this time, the clinical significance of this alteration remains unclear.